The following is an entry in ClinVar:

NM_006231.4(POLE):c.1129G>A (p.Ala377Thr)

Gene: POLE (DNA polymerase epsilon, catalytic subunit; minus strand). Cytogenetic location: 12q24.33.
Variant type: single nucleotide variant.
Coding change: c.1129G>A on transcript NM_006231.4 (MANE Select); coding-DNA position 1129, G replaced by A.
Protein change: p.Ala377Thr; replaces alanine 377 with threonine.
Molecular consequence: missense variant.
Genome position (GRCh38, 1-based): chr12:132,675,495, C>T on the plus strand (G>A on the coding strand, the complement: POLE is on the minus strand). VCF-style: chr12-132675495-C-T. GRCh37 (hg19) VCF-style: chr12-133252081-C-T.
Other names: short protein forms A377T.
Identifiers: ClinVar variation 484514 (VCV000484514.22), dbSNP rs754508108, ClinGen allele CA6894063.

ClinVar aggregate classification (germline): Uncertain significance. Review status: criteria provided, multiple submitters, no conflicts (2 of 4 stars). 5 submissions from 5 submitters: Uncertain significance (5). Last evaluated 2026-01-09.

Conditions:
Colorectal cancer, susceptibility to, 12 (CRCS12). Also called: COLORECTAL CANCER, SUSCEPTIBILITY TO, ON CHROMOSOME 12q24. Identifiers: Orphanet 220460, MedGen C3554460, MONDO:0014038, OMIM 615083.
Hereditary cancer-predisposing syndrome. Also called: Tumor predisposition; Hereditary Cancer Syndrome; Neoplastic Syndromes, Hereditary; Hereditary neoplastic syndrome. Identifiers: Orphanet 140162, MedGen C0027672, MeSH D009386, MONDO:0015356.

Allele frequency attached by ClinVar (database versions not stated): gnomAD exomes below 0.00001; ExAC 0.00001; TOPMed 0.00001.
gnomAD v4.1: 1 of 1,614,124 alleles (0.000062%); highest among the groups gnomAD compares: African/African-American, 0.0013%; no homozygotes.

Submissions (5):

Ambry Genetics
Classification: Uncertain significance for Hereditary cancer-predisposing syndrome. Last evaluated: 2026-01-09. Review status: criteria provided, single submitter. Criteria: Ambry Variant Classification Scheme 2023. Collection method: clinical testing. Allele origin: germline.
Comment: The p.A377T variant (also known as c.1129G>A), located in coding exon 12 of the POLE gene, results from a G to A substitution at nucleotide position 1129. The alanine at codon 377 is replaced by threonine, an amino acid with similar properties. This amino acid position is well conserved in available vertebrate species. In addition, this alteration is predicted to be tolerated by in silico analysis. Based on the available evidence, the clinical significance of this variant remains unclear.

Labcorp Genetics (formerly Invitae), Labcorp
Classification: Uncertain significance. Last evaluated: 2025-08-11. Review status: criteria provided, single submitter. Criteria: Invitae Variant Classification Sherloc (09022015). Collection method: clinical testing. Allele origin: germline.
Comment: This sequence change replaces alanine, which is neutral and non-polar, with threonine, which is neutral and polar, at codon 377 of the POLE protein (p.Ala377Thr). This variant is present in population databases (rs754508108, gnomAD 0.007%). This variant has not been reported in the literature in individuals affected with POLE-related conditions. ClinVar contains an entry for this variant (Variation ID: 484514). Invitae Evidence Modeling of protein sequence and biophysical properties (such as structural, functional, and spatial information, amino acid conservation, physicochemical variation, residue mobility, and thermodynamic stability) indicates that this missense variant is not expected to disrupt POLE protein function with a negative predictive value of 80%. In summary, the available evidence is currently insufficient to determine the role of this variant in disease. Therefore, it has been classified as a Variant of Uncertain Significance.

Baylor Genetics
Classification: Uncertain significance for Colorectal cancer, susceptibility to, 12. Last evaluated: 2024-02-27. Review status: criteria provided, single submitter. Criteria: ACMG Guidelines, 2015. Collection method: clinical testing. Allele origin: unknown.

Sema4
Classification: Uncertain significance for Hereditary cancer-predisposing syndrome. Last evaluated: 2022-01-21. Review status: criteria provided, single submitter. Criteria: Sema4 Curation Guidelines. Collection method: curation. Allele origin: germline.
Comment: The POLE c.1129G>A (p.A377T) variant has not been reported in the literature to our knowledge. It was observed in 1/16256 chromosomes of the African/African American (AFR) subpopulation in the large and broad cohorts of the Genome Aggregation Database (PMID: 32461654). This variant has been reported in ClinVar (Variation ID: 484514). Functional studies have not been performed, and in silico predictions of the variant's effect on protein function are inconclusive. The evidence is insufficient to meet ACMG/AMP criteria for classifying the variant as benign or pathogenic. Thus, the clinical significance of this variant is currently uncertain.

GeneDx
Classification: Uncertain significance. Last evaluated: 2021-07-28. Review status: criteria provided, single submitter. Criteria: GeneDx Variant Classification Process June 2021. Collection method: clinical testing. Allele origin: germline. Affected: yes.
Comment: Not observed at significant frequency in large population cohorts (Lek 2016); In silico analysis supports that this missense variant does not alter protein structure/function; Has not been previously published as pathogenic or benign to our knowledge; This variant is associated with the following publications: (PMID: 20951805)